The following is an entry in ClinVar:

NM_006031.6(PCNT):c.9649C>G (p.Gln3217Glu)

Gene: PCNT (pericentrin; plus strand). Cytogenetic location: 21q22.3.
Variant type: single nucleotide variant.
Coding change: c.9649C>G on transcript NM_006031.6 (MANE Select); coding-DNA position 9649, C replaced by G.
Protein change: p.Gln3217Glu; replaces glutamine 3217 with glutamic acid.
Molecular consequence: missense variant.
Genome position (GRCh38, 1-based): chr21:46,442,522, C>G. VCF-style: chr21-46442522-C-G. GRCh37 (hg19) VCF-style: chr21-47862435-C-G.
Other names: c.9058C>G, p.Gln3020Glu (NM_001315529.2); c.9649C>G (NM_006031.5); short protein forms Q3217E, Q3020E.
Identifiers: ClinVar variation 1525343 (VCV001525343.4), dbSNP rs200431921, ClinGen allele CA10081407.

ClinVar aggregate classification (germline): Uncertain significance. Review status: criteria provided, single submitter (1 of 4 stars). 2 submissions from 2 submitters: Uncertain significance (1). 1 of the submissions does not count toward it. Last evaluated 2022-02-08.

Conditions:
PCNT-related disorder. Also called: PCNT-related condition.

Allele frequency attached by ClinVar (database versions not stated): ExAC 0.00002; gnomAD exomes 0.00003 and 0.00010; gnomAD 0.00004; TOPMed 0.00006; ESP Exome Variant Server 0.00008.
gnomAD v4.1: 145 of 1,611,702 alleles (0.009%); highest among the groups gnomAD compares: Non-Finnish European, 0.012%; no homozygotes.

Submissions (2):

Labcorp Genetics (formerly Invitae), Labcorp
Classification: Uncertain significance. Last evaluated: 2022-02-08. Review status: criteria provided, single submitter. Criteria: Invitae Variant Classification Sherloc (09022015). Collection method: clinical testing. Allele origin: germline.
Comment: This sequence change replaces glutamine, which is neutral and polar, with glutamic acid, which is acidic and polar, at codon 3217 of the PCNT protein (p.Gln3217Glu). This variant is present in population databases (rs200431921, gnomAD 0.005%). This variant has not been reported in the literature in individuals affected with PCNT-related conditions. Algorithms developed to predict the effect of missense changes on protein structure and function are either unavailable or do not agree on the potential impact of this missense change (SIFT: "Tolerated"; PolyPhen-2: "Possibly Damaging"; Align-GVGD: "Class C0"). In summary, the available evidence is currently insufficient to determine the role of this variant in disease. Therefore, it has been classified as a Variant of Uncertain Significance.

PreventionGenetics, part of Exact Sciences
Classification: Uncertain significance for PCNT-related condition. Last evaluated: 2024-08-30. Review status: no assertion criteria provided. Collection method: clinical testing. Allele origin: germline. Not counted in ClinVar's aggregate classification.
Comment: The PCNT c.9649C>G variant is predicted to result in the amino acid substitution p.Gln3217Glu. To our knowledge, this variant has not been reported in the literature. This variant is reported in 0.0062% of alleles in individuals of European (Non-Finnish) descent in gnomAD. At this time, the clinical significance of this variant is uncertain due to the absence of conclusive functional and genetic evidence.